The following is an entry in ClinVar:

ClinVar aggregate classification (germline): Likely benign (0 of 4 stars; one submission).

Conditions:
TANGO2-related disorder. Also called: TANGO2-related condition.

Allele frequency attached by ClinVar (database versions not stated): 1000 Genomes Project 30x 0.00031; ESP Exome Variant Server 0.00035; 1000 Genomes Project 0.00040; TOPMed 0.00040.
gnomAD v4.1: 110 of 1,561,194 alleles (0.007%); highest among the groups gnomAD compares: African/African-American, 0.14%; no homozygotes.

Submission:

PreventionGenetics, part of Exact Sciences
Classification: Likely benign for TANGO2-related condition. Last evaluated: 2019-12-23. Review status: no assertion criteria provided. Collection method: clinical testing. Allele origin: germline.
Comment: This variant is classified as likely benign based on ACMG/AMP sequence variant interpretation guidelines (Richards et al. 2015 PMID: 25741868, with internal and published modifications).

NM_152906.7(TANGO2):c.56+178C>T

Gene: TANGO2 (transport and golgi organization 2 homolog; plus strand). Cytogenetic location: 22q11.21.
Variant type: single nucleotide variant.
Coding change: c.56+178C>T on transcript NM_152906.7 (MANE Select); 178 bases into the intron after coding-DNA position 56, C replaced by T.
Molecular consequence: intron variant. On other transcripts: synonymous variant (8), 5 prime UTR variant (4), non-coding transcript variant (1).
Genome position (GRCh38, 1-based): chr22:20,037,032, C>T. VCF-style: chr22-20037032-C-T. GRCh37 (hg19) VCF-style: chr22-20024555-C-T.
Other names: c.117C>T, p.Leu39= (NM_001283129.3, NM_001283215.3, NM_001322141.2 and 5 more transcripts); c.-186C>T (NM_001322148.2, NM_001322150.2, NM_001322172.2 and 1 more transcripts); c.56+178C>T (NM_001283106.3, NM_001322163.2, NM_001283179.3 and 10 more transcripts); c.-124+178C>T (NM_001322174.2, NM_001322160.2, NM_001322175.2 and 5 more transcripts).
Identifiers: ClinVar variation 3049249 (VCV003049249.2), dbSNP rs116666405, ClinGen allele CA10106155.